The following is an entry in ClinVar:

ClinVar aggregate classification (germline): Uncertain significance (1 of 4 stars; one submission).

Submission:

CeGaT Center for Human Genetics Tuebingen
Classification: Uncertain significance. Last evaluated: 2026-09-01. Review status: criteria provided, single submitter. Criteria: CeGaT Center For Human Genetics Tuebingen Variant Classification Criteria Version 2. Collection method: clinical testing. Allele origin: germline. Affected: yes. Observed: 1 variant allele.
Comment: SMAD3: PM2, PP2, PP3

NM_005902.4(SMAD3):c.37A>G (p.Lys13Glu)

Genes: SMAD3 (SMAD family member 3; plus strand), LOC130057352 (ATAC-STARR-seq lymphoblastoid silent region 6574; plus strand). Cytogenetic location: 15q22.33.
Variant type: single nucleotide variant.
Coding change: c.37A>G on transcript NM_005902.4 (MANE Select); coding-DNA position 37, A replaced by G.
Protein change: p.Lys13Glu; replaces lysine 13 with glutamic acid.
Molecular consequence: missense variant.
Genome position (GRCh38, 1-based): chr15:67,066,191, A>G. VCF-style: chr15-67066191-A-G. GRCh37 (hg19) VCF-style: chr15-67358529-A-G.
Other names: c.37A>G, p.Lys13Glu (NM_001407011.1, NM_001407012.1, NM_001407013.1); short protein forms K13E.
Identifiers: ClinVar variation 5041863 (VCV005041863.1).